The following is an entry in ClinVar:

NM_001374828.1(ARID1B):c.506ACCACCACCATGCCCACCACC[5] (p.His182_Leu183insHisHisHisHisAlaHisHisHisHisHisHisAlaHisHisHisHisHisHisAlaHisHis)

Genes: ARID1B (AT-rich interaction domain 1B; plus strand), LOC115308161 (uncharacterized LOC115308161; minus strand). Cytogenetic location: 6q25.3.
Variant type: Microsatellite.
Coding change: c.506ACCACCACCATGCCCACCACC[5] on transcript NM_001374828.1 (MANE Select); five copies in a row of the 21-base unit ACCACCACCATGCCCACCACC starting at c.506.
Protein change: p.His182_Leu183insHisHisHisHisAlaHisHisHisHisHisHisAlaHisHisHisHisHisHisAlaHisHis.
Genome position: GRCh38, VCF-style position (the base before the change): chr6:156,778,178. GRCh37 (hg19), VCF-style position (the base before the change): chr6:157,099,312.
Other names: c.506ACCACCACCATGCCCACCACC[5], p.His182_Leu183insHisHisHisHisAlaHisHisHisHisHisHisAlaHisHisHisHisHisHisAlaHisHis (NM_001371656.1, NM_001374820.1, NM_017519.3).
Identifiers: ClinVar variation 3647851 (VCV003647851.2).

ClinVar aggregate classification (germline): Uncertain significance (1 of 4 stars; one submission).

Submission:

Labcorp Genetics (formerly Invitae), Labcorp
Classification: Uncertain significance. Last evaluated: 2024-03-27. Review status: criteria provided, single submitter. Criteria: Invitae Variant Classification Sherloc (09022015). Collection method: clinical testing. Allele origin: germline.
Comment: This variant, c.298_299insACCACCACCATGCCCACCACCACCACCACCATGCCCACCACCACCACCACCATGCCCACCACC, results in the insertion of 21 amino acid(s) of the ARID1B protein (p.His99_Leu100insHisHisHisHisAlaHisHisHisHisHisHisAlaHisHisHisHisHisHisAlaHisHis), but otherwise preserves the integrity of the reading frame. This variant is not present in population databases (gnomAD no frequency). This variant has not been reported in the literature in individuals affected with ARID1B-related conditions. In summary, the available evidence is currently insufficient to determine the role of this variant in disease. Therefore, it has been classified as a Variant of Uncertain Significance.